The following is an entry in ClinVar:

ClinVar aggregate classification (germline): Likely benign. Review status: criteria provided, multiple submitters, no conflicts (2 of 4 stars). 2 submissions from 2 submitters: Likely benign (2). Last evaluated 2024-07-30.

Conditions:
Charcot-Marie-Tooth disease axonal type 2O. Also called: CHARCOT-MARIE-TOOTH NEUROPATHY, AXONAL, TYPE 2O; CHARCOT-MARIE-TOOTH DISEASE, AXONAL, AUTOSOMAL DOMINANT, TYPE 2O; Charcot-Marie-Tooth Neuropathy Type 2O; Charcot-Marie-Tooth disease, axonal, type 20. Identifiers: Orphanet 284232, MedGen C3280220, MONDO:0013644, OMIM 614228.

Allele frequency attached by ClinVar (database versions not stated): ExAC 0.00001; gnomAD 0.00001; gnomAD exomes 0.00001; TOPMed 0.00001; ESP Exome Variant Server 0.00008.
gnomAD v4.1: 13 of 1,613,306 alleles (0.00081%); highest among the groups gnomAD compares: African/African-American, 0.0013%; no homozygotes.

Submissions (2):

Labcorp Genetics (formerly Invitae), Labcorp
Classification: Likely benign for Charcot-Marie-Tooth disease axonal type 2O. Last evaluated: 2024-07-30. Review status: criteria provided, single submitter. Criteria: Invitae Variant Classification Sherloc (09022015). Collection method: clinical testing. Allele origin: germline.

GeneDx
Classification: Likely benign. Last evaluated: 2018-02-08. Review status: criteria provided, single submitter. Criteria: GeneDx Variant Classification (06012015). Collection method: clinical testing. Allele origin: germline. Affected: yes.
Comment: This variant is considered likely benign or benign based on one or more of the following criteria: it is a conservative change, it occurs at a poorly conserved position in the protein, it is predicted to be benign by multiple in silico algorithms, and/or has population frequency not consistent with disease.

NM_001376.5(DYNC1H1):c.4902T>C (p.Asp1634=)

Gene: DYNC1H1 (dynein cytoplasmic 1 heavy chain 1; plus strand). Cytogenetic location: 14q32.31.
Variant type: single nucleotide variant.
Coding change: c.4902T>C on transcript NM_001376.5 (MANE Select); coding-DNA position 4902, T replaced by C.
Protein change: p.Asp1634=; no amino-acid change (aspartic acid 1634 retained).
Molecular consequence: synonymous variant.
Genome position (GRCh38, 1-based): chr14:102,004,536, T>C. VCF-style: chr14-102004536-T-C. GRCh37 (hg19) VCF-style: chr14-102470873-T-C.
Identifiers: ClinVar variation 515213 (VCV000515213.8), dbSNP rs370806297, ClinGen allele CA7352326.